The following is an entry in ClinVar:

NM_003239.5(TGFB3):c.517-1G>A

Gene: TGFB3 (transforming growth factor beta 3; minus strand). Cytogenetic location: 14q24.3.
Variant type: single nucleotide variant.
Coding change: c.517-1G>A on transcript NM_003239.5 (MANE Select); the canonical splice acceptor site of the intron before coding-DNA position 517, G replaced by A.
Molecular consequence: splice acceptor variant.
Genome position (GRCh38, 1-based): chr14:75,971,256, C>T on the plus strand (G>A on the coding strand, the complement: TGFB3 is on the minus strand). VCF-style: chr14-75971256-C-T. GRCh37 (hg19) VCF-style: chr14-76437599-C-T.
Other names: c.517-1G>A (NM_001329939.2, NM_001329938.2).
Identifiers: ClinVar variation 4082554 (VCV004082554.2).

ClinVar aggregate classification (germline): Pathogenic (1 of 4 stars; one submission).

gnomAD v4.1: 1 of 1,614,116 alleles (0.000062%); highest among the groups gnomAD compares: Non-Finnish European, 0.000085%; no homozygotes.

Submission:

GeneDx
Classification: Pathogenic. Last evaluated: 2025-10-10. Review status: criteria provided, single submitter. Criteria: GeneDx Variant Classification Process June 2021. Collection method: clinical testing. Allele origin: germline.
Comment: Canonical splice site variant predicted to result in a null allele in a gene for which loss of function is a known mechanism of disease; Not observed at significant frequency in large population cohorts (gnomAD); Has not been previously published as pathogenic or benign to our knowledge